The following is an entry in ClinVar:

ClinVar aggregate classification (germline): Uncertain significance (1 of 4 stars; one submission).

gnomAD v4.1: 1 of 1,200,443 alleles (0.000083%); highest among the groups gnomAD compares: Non-Finnish European, 0.00011%; no homozygotes.

Submission:

GeneDx
Classification: Uncertain significance. Last evaluated: 2025-01-06. Review status: criteria provided, single submitter. Criteria: GeneDx Variant Classification Process June 2021. Collection method: clinical testing. Allele origin: germline. Affected: yes.
Comment: Not observed at significant frequency in large population cohorts (gnomAD); In silico analysis supports that this missense variant has a deleterious effect on protein structure/function; Has not been previously published as pathogenic or benign to our knowledge

NM_001111125.3(IQSEC2):c.3308G>A (p.Arg1103Gln)

Gene: IQSEC2 (IQ motif and Sec7 domain ArfGEF 2; minus strand). Cytogenetic location: Xp11.22.
Variant type: single nucleotide variant.
Coding change: c.3308G>A on transcript NM_001111125.3 (MANE Select); coding-DNA position 3308, G replaced by A.
Protein change: p.Arg1103Gln; replaces arginine 1103 with glutamine.
Molecular consequence: missense variant.
Genome position (GRCh38, 1-based): chrX:53,236,465, C>T on the plus strand (G>A on the coding strand, the complement: IQSEC2 is on the minus strand). VCF-style: chrX-53236465-C-T. GRCh37 (hg19) VCF-style: chrX-53265647-C-T.
Other names: c.3308G>A, p.Arg1103Gln (NM_001410736.1); c.2693G>A, p.Arg898Gln (NM_015075.2); short protein forms R1103Q, R898Q.
Identifiers: ClinVar variation 4056051 (VCV004056051.1).